The following is an entry in ClinVar:

NM_022575.4(VPS16):c.1297G>A (p.Asp433Asn)

Gene: VPS16 (VPS16 core subunit of CORVET and HOPS complexes; plus strand). Cytogenetic location: 20p13.
Variant type: single nucleotide variant.
Coding change: c.1297G>A on transcript NM_022575.4 (MANE Select); coding-DNA position 1297, G replaced by A.
Protein change: p.Asp433Asn; replaces aspartic acid 433 with asparagine.
Molecular consequence: missense variant. On other transcripts: intron variant (1).
Genome position (GRCh38, 1-based): chr20:2,862,900, G>A. VCF-style: chr20-2862900-G-A. GRCh37 (hg19) VCF-style: chr20-2843546-G-A.
Other names: c.900-165G>A (NM_080413.3); short protein forms D433N.
Identifiers: ClinVar variation 4531131 (VCV004531131.1).

ClinVar aggregate classification (germline): Uncertain significance (1 of 4 stars; one submission).

gnomAD v4.1: 3 of 1,613,964 alleles (0.00019%); highest among the groups gnomAD compares: African/African-American, 0.004%; no homozygotes.

Submission:

GeneDx
Classification: Uncertain significance. Last evaluated: 2025-05-21. Review status: criteria provided, single submitter. Criteria: GeneDx Variant Classification Process June 2021. Collection method: clinical testing. Allele origin: germline. Affected: yes.
Comment: In silico analysis suggests that this missense variant does not alter protein structure/function; Has not been previously published as pathogenic or benign to our knowledge